The following is an entry in ClinVar:

ClinVar aggregate classification (germline): Pathogenic/Likely pathogenic. Review status: criteria provided, multiple submitters, no conflicts (2 of 4 stars). 6 submissions from 5 submitters: Pathogenic (2); Likely pathogenic (1). 3 of the submissions do not count toward it. Last evaluated 2025-07-10.

Conditions:
Autosomal recessive hypohidrotic ectodermal dysplasia syndrome. Also called: Autosomal recessive hypohidrotic ectodermal dysplasia. Identifiers: Orphanet 248, MedGen C0406702, MONDO:0016619.
Ectodermal dysplasia 10A, hypohidrotic/hair/nail type, autosomal dominant (ECTD10A). Also called: Ectodermal Dysplasia 3, Anhidrotic. Identifiers: Orphanet 1810, Orphanet 238468, MedGen C3888065, MONDO:0007509, OMIM 129490.
Mitochondrial DNA depletion syndrome 4b. Also called: MNGIE, POLG-RELATED; Mitochondrial Neurogastrointestinal Encephalopathy Disease, POLG-Related. Identifiers: Orphanet 298, MedGen C3150914, MONDO:0013350, OMIM 613662.
Progressive sclerosing poliodystrophy (MTDPS4A). Also called: Alpers Syndrome; ALPERS DIFFUSE DEGENERATION OF CEREBRAL GRAY MATTER WITH HEPATIC CIRRHOSIS; ALPERS PROGRESSIVE INFANTILE POLIODYSTROPHY; Mitochondrial DNA Depletion Syndrome 4A; NEURONAL DEGENERATION OF CHILDHOOD WITH LIVER DISEASE, PROGRESSIVE; Alpers-Huttenlocher Syndrome. Identifiers: Orphanet 726, MedGen C0205710, MONDO:0008758, OMIM 203700.
Ectodermal dysplasia 10a, hypohidrotic/hair/tooth type, autosomal dominant. Identifiers: MedGen C3551587.
Ectodermal dysplasia 10B, hypohidrotic/hair/tooth type, autosomal recessive. Also called: Ectodermal Dysplasia, Hypohidrotic, Autosomal Recessive; Ectodermal dysplasia 10B, hypohidrotic/hair/tooth type, autosomal. Identifiers: Orphanet 238468, Orphanet 248, MedGen C3887494, MONDO:0009147, OMIM 224900.

Allele frequency attached by ClinVar (database versions not stated): ExAC 0.00001; gnomAD 0.00001; gnomAD exomes below 0.00001; TOPMed 0.00002.
gnomAD v4.1: 26 of 1,614,084 alleles (0.0016%); highest among the groups gnomAD compares: African/African-American, 0.004%; no homozygotes.

Submissions (6):

Labcorp Genetics (formerly Invitae), Labcorp
Classification: Pathogenic for Ectodermal dysplasia 10A, hypohidrotic/hair/nail type, autosomal dominant; Autosomal recessive hypohidrotic ectodermal dysplasia syndrome. Last evaluated: 2025-07-10. Review status: criteria provided, single submitter. Criteria: Invitae Variant Classification Sherloc (09022015). Collection method: clinical testing. Allele origin: germline.
Comment: This sequence change replaces arginine, which is basic and polar, with histidine, which is basic and polar, at codon 89 of the EDAR protein (p.Arg89His). This variant is present in population databases (rs121908450, gnomAD 0.007%). This missense change has been observed in individual(s) with autosomal recessive hypohidrotic ectodermal dysplasia and/or mild autosomal dominant ectodermal dysplasia (PMID: 18231121, 20236127, 20979233). It has also been observed to segregate with disease in related individuals. ClinVar contains an entry for this variant (Variation ID: 5849). Invitae Evidence Modeling of protein sequence and biophysical properties (such as structural, functional, and spatial information, amino acid conservation, physicochemical variation, residue mobility, and thermodynamic stability) has been performed for this missense variant. However, the output from this modeling did not meet the statistical confidence thresholds required to predict the impact of this variant on EDAR protein function. This variant disrupts the p.Arg89 amino acid residue in EDAR. Other variant(s) that disrupt this residue have been determined to be pathogenic (internal data). This suggests that this residue is clinically significant, and that variants that disrupt this residue are likely to be disease-causing. For these reasons, this variant has been classified as Pathogenic.

Revvity Omics, Revvity
Classification: Likely pathogenic. Last evaluated: 2024-02-08. Review status: criteria provided, single submitter. Criteria: ACMG Guidelines, 2015. Collection method: clinical testing. Allele origin: germline.

Institute of Human Genetics, University of Leipzig Medical Center
Classification: Pathogenic for Ectodermal dysplasia 10A, hypohidrotic/hair/nail type, autosomal dominant. Last evaluated: 2018-01-19. Review status: criteria provided, single submitter. Criteria: ACMG Guidelines, 2015. Collection method: clinical testing. Allele origin: germline. Affected: yes. Observed: 1 variant allele.

Hehr Laboratory, Center for Human Genetics Regensburg
Classification: Pathogenic for Progressive sclerosing poliodystrophy; Mitochondrial DNA depletion syndrome 4b. Last evaluated: 2016-10-09. Review status: no assertion criteria provided. Collection method: clinical testing. Allele origin: unknown. Affected: yes. Observed: 1 compound heterozygote. Not counted in ClinVar's aggregate classification.

OMIM
Classification: Pathogenic for ECTODERMAL DYSPLASIA 10B, HYPOHIDROTIC/HAIR/TOOTH TYPE, AUTOSOMAL RECESSIVE. Last evaluated: 2008-06-01. Review status: no assertion criteria provided. Collection method: literature only. Allele origin: germline. Not counted in ClinVar's aggregate classification.

OMIM
Classification: Pathogenic for ECTODERMAL DYSPLASIA 10A, HYPOHIDROTIC/HAIR/TOOTH TYPE, AUTOSOMAL DOMINANT. Last evaluated: 2008-06-01. Review status: no assertion criteria provided. Collection method: literature only. Allele origin: germline. Not counted in ClinVar's aggregate classification.

Literature cited by the submitters: PubMed 18231121 (cited by Labcorp Genetics (formerly Invitae), Labcorp and OMIM); PubMed 20236127 (cited by Labcorp Genetics (formerly Invitae), Labcorp); PubMed 20979233 (cited by Labcorp Genetics (formerly Invitae), Labcorp); PubMed 10431241 (cited by OMIM).

NM_022336.4(EDAR):c.266G>A (p.Arg89His)

Genes: EDAR (ectodysplasin A receptor; minus strand), RANBP2 (RAN binding protein 2; plus strand). Cytogenetic location: 2q13.
Variant type: single nucleotide variant.
Coding change: c.266G>A on transcript NM_022336.4 (MANE Select); coding-DNA position 266, G replaced by A.
Protein change: p.Arg89His; replaces arginine 89 with histidine.
Molecular consequence: missense variant.
Genome position (GRCh38, 1-based): chr2:108,929,288, C>T on the plus strand (G>A on the coding strand, the complement: EDAR is on the minus strand). VCF-style: chr2-108929288-C-T. GRCh37 (hg19) VCF-style: chr2-109545744-C-T.
Other names: short protein forms R89H.
Identifiers: ClinVar variation 5849 (VCV000005849.12), dbSNP rs121908450, ClinGen allele CA130257.
Genomic context (GRCh38, chr2:108,929,288, plus strand): 5'-TTCTCCATGTCCCCTGGTGTCAGCACGGTGGCCCGGAAGAAGCCCTCACAGTCTTTGTGA[C>T]GCCTGCATATCTGGTAGCCTCCTTTGGAAAACTTCTCCGCCGGGCAGGGGACGCAGCCGT-3'
Protein context (NP_071731.1, residues 79-99): FSKGGYQICR[Arg89His]HKDCEGFFRA